The following is an entry in ClinVar:

ClinVar aggregate classification (germline): Benign/Likely benign. Review status: criteria provided, multiple submitters, no conflicts (2 of 4 stars). 4 submissions from 4 submitters: Benign (3); Likely benign (1). Last evaluated 2026-02-03.

Conditions:
Catecholaminergic polymorphic ventricular tachycardia 1. Also called: VENTRICULAR TACHYCARDIA, CATECHOLAMINERGIC POLYMORPHIC, 1, WITH OR WITHOUT ATRIAL DYSFUNCTION AND/OR DILATED CARDIOMYOPATHY; VENTRICULAR TACHYCARDIA, STRESS-INDUCED POLYMORPHIC 1; RYR2-Related Catecholaminergic Polymorphic Ventricular Tachycardia. Identifiers: Orphanet 3286, MedGen C1631597, MONDO:0011484, OMIM 604772.

Allele frequency attached by ClinVar (database versions not stated): 1000 Genomes Project below 0.00001; gnomAD exomes 0.00007 and 0.00009; ExAC 0.00026; gnomAD 0.00040 and 0.00042; ESP Exome Variant Server 0.00042; TOPMed 0.00043.
gnomAD v4.1: 172 of 1,577,262 alleles (0.011%); highest among the groups gnomAD compares: African/African-American, 0.15%; no homozygotes.

Submissions (4):

Labcorp Genetics (formerly Invitae), Labcorp
Classification: Benign for Catecholaminergic polymorphic ventricular tachycardia 1. Last evaluated: 2026-02-03. Review status: criteria provided, single submitter. Criteria: Invitae Variant Classification Sherloc (09022015). Collection method: clinical testing. Allele origin: germline.

Women's Health and Genetics/Laboratory Corporation of America, LabCorp
Classification: Benign. Last evaluated: 2025-07-28. Review status: criteria provided, single submitter. Criteria: LabCorp Variant Classification Summary - May 2015. Collection method: clinical testing. Allele origin: germline.

Blueprint Genetics
Classification: Likely benign. Last evaluated: 2024-06-24. Review status: criteria provided, single submitter. Criteria: ACMG Guidelines, 2015. Collection method: clinical testing. Allele origin: germline.

GeneDx
Classification: Benign. Last evaluated: 2014-06-26. Review status: criteria provided, single submitter. Criteria: GeneDx Variant Classification (06012015). Collection method: clinical testing. Allele origin: germline. Affected: yes.
Comment: This variant is considered likely benign or benign based on one or more of the following criteria: it is a conservative change, it occurs at a poorly conserved position in the protein, it is predicted to be benign by multiple in silico algorithms, and/or has population frequency not consistent with disease.

NM_001035.3(RYR2):c.2397-16C>T

Gene: RYR2 (ryanodine receptor 2; plus strand). Cytogenetic location: 1q43.
Variant type: single nucleotide variant.
Coding change: c.2397-16C>T on transcript NM_001035.3 (MANE Select); 16 bases into the intron before coding-DNA position 2397, C replaced by T.
Molecular consequence: intron variant.
Genome position (GRCh38, 1-based): chr1:237,503,273, C>T. VCF-style: chr1-237503273-C-T. GRCh37 (hg19) VCF-style: chr1-237666573-C-T.
Other names: c.2397-16C>T (LRG_402t1).
Identifiers: ClinVar variation 201163 (VCV000201163.12), dbSNP rs12081629, ClinGen allele CA008811.
Genomic context (GRCh38, chr1:237,503,273, plus strand): 5'-TCCCTAAGATTTTGTGAATTAGAAAACTTTAATGTACACCAGAGATAAAATTGACTCTAA[C>T]GTGCATCCTCTTTAGAGTACGCTTTCTGCTTGGAGGGCGACATGGAGAATTCAAATTTCT-3'